The following is an entry in ClinVar:

ClinVar aggregate classification (germline): Pathogenic (1 of 4 stars; one submission).

Submission:

Labcorp Genetics (formerly Invitae), Labcorp
Classification: Pathogenic. Last evaluated: 2024-02-29. Review status: criteria provided, single submitter. Criteria: Invitae Variant Classification Sherloc (09022015). Collection method: clinical testing. Allele origin: germline.
Comment: This sequence change creates a premature translational stop signal (p.Ile404Profs*43) in the PCDH15 gene. It is expected to result in an absent or disrupted protein product. Loss-of-function variants in PCDH15 are known to be pathogenic (PMID: 11398101, 11487575, 14570705). This variant is not present in population databases (gnomAD no frequency). This variant has not been reported in the literature in individuals affected with PCDH15-related conditions. For these reasons, this variant has been classified as Pathogenic.

Literature cited by the submitters: PubMed 11398101; PubMed 11487575; PubMed 14570705.

NM_001384140.1(PCDH15):c.1210_1211del (p.Ile404fs)

Gene: PCDH15 (protocadherin related 15; minus strand). Cytogenetic location: 10q21.1.
Variant type: Microsatellite.
Coding change: c.1210_1211del on transcript NM_001384140.1 (MANE Select); coding-DNA positions 1210 to 1211, 2 bases deleted (AT; older notation c.1210_1211delAT).
Protein change: p.Ile404fs; shifts the reading frame from isoleucine 404.
Molecular consequence: frameshift variant.
Genome position (GRCh38, 1-based): chr10:54,195,777-54,195,778, AT deleted on the plus strand (AT on the coding strand, the reverse complement: PCDH15 is on the minus strand); deleting any 2 consecutive bases within chr10:54,195,777-54,195,781 gives the same sequence; the c. name uses the placement nearest the transcript's 3' end. VCF-style (leftmost placement, unchanged base first): chr10-54195776-GAT-G. GRCh37 (hg19) VCF-style: chr10-55955536-GAT-G.
Other names: c.1225_1226del, p.Ile409fs (NM_001142763.2, NM_001142771.2); c.1210_1211del, p.Ile404fs (NM_001142764.2, NM_001142765.2, NM_001142766.2 and 7 more transcripts); c.1099_1100del, p.Ile367fs (NM_001142767.2); c.1144_1145del, p.Ile382fs (NM_001142768.2, NM_001142773.2, NM_001354404.2); c.1222_1223TA[1], p.Ile409Profs (NM_001142769.4); short protein forms I367fs, I382fs, I409fs, I404fs.
Identifiers: ClinVar variation 3643744 (VCV003643744.2).